The following is an entry in ClinVar:

ClinVar aggregate classification (germline): Uncertain significance (1 of 4 stars; one submission).

Submission:

GeneDx
Classification: Uncertain significance. Last evaluated: 2024-08-16. Review status: criteria provided, single submitter. Criteria: GeneDx Variant Classification Process June 2021. Collection method: clinical testing. Allele origin: germline. Affected: yes.
Comment: Not observed at significant frequency in large population cohorts (gnomAD); In silico analysis supports that this missense variant has a deleterious effect on protein structure/function; Has not been previously published as pathogenic or benign to our knowledge

NM_014159.7(SETD2):c.3815A>G (p.Gln1272Arg)

Gene: SETD2 (SET domain containing 2, histone lysine methyltransferase; minus strand). Cytogenetic location: 3p21.31.
Variant type: single nucleotide variant.
Coding change: c.3815A>G on transcript NM_014159.7 (MANE Select); coding-DNA position 3815, A replaced by G.
Protein change: p.Gln1272Arg; replaces glutamine 1272 with arginine.
Molecular consequence: missense variant. On other transcripts: non-coding transcript variant (1).
Genome position (GRCh38, 1-based): chr3:47,120,821, T>C on the plus strand (A>G on the coding strand, the complement: SETD2 is on the minus strand). VCF-style: chr3-47120821-T-C. GRCh37 (hg19) VCF-style: chr3-47162311-T-C.
Other names: c.3683A>G, p.Gln1228Arg (NM_001349370.3); short protein forms Q1272R, Q1228R.
Identifiers: ClinVar variation 3731269 (VCV003731269.1).
Genomic context (GRCh38, chr3:47,120,821, plus strand): 5'-TGTTCTGCATTTTGCTGATACTTGTGTCCACCACAAGCTCCATAGCTACTGTCAGGTTGC[T>C]GATACGTGGTAGAAGGCTTTTCTTGAGAGAAGTCCCAACCTAAGTTTCTGAGCTCTTCTG-3'
Protein context (NP_054878.5, residues 1262-1282): FSQEKPSTTY[Gln1272Arg]QPDSSYGACG